The following is an entry in ClinVar:

NM_000057.4(BLM):c.242C>A (p.Thr81Lys)

Gene: BLM (BLM RecQ like helicase; plus strand). Cytogenetic location: 15q26.1.
Variant type: single nucleotide variant.
Coding change: c.242C>A on transcript NM_000057.4 (MANE Select); coding-DNA position 242, C replaced by A.
Protein change: p.Thr81Lys; replaces threonine 81 with lysine.
Molecular consequence: missense variant. On other transcripts: 5 prime UTR variant (1).
Genome position (GRCh38, 1-based): chr15:90,749,510, C>A. VCF-style: chr15-90749510-C-A. GRCh37 (hg19) VCF-style: chr15-91292740-C-A.
Other names: c.242C>A, p.Thr81Lys (NM_001287246.2, NM_001287247.2); c.-1050C>A (NM_001287248.2); short protein forms T81K.
Identifiers: ClinVar variation 1715167 (VCV001715167.6), dbSNP rs1895606466, ClinGen allele CA393839924.

ClinVar aggregate classification (germline): Uncertain significance (1 of 4 stars; one submission).

Conditions:
Bloom syndrome (BLM). Also called: Bloom-Torre-Machacek syndrome. Identifiers: Orphanet 125, MedGen C0005859, MONDO:0008876, OMIM 210900.

Submission:

Labcorp Genetics (formerly Invitae), Labcorp
Classification: Uncertain significance for Bloom syndrome. Last evaluated: 2022-07-15. Review status: criteria provided, single submitter. Criteria: Invitae Variant Classification Sherloc (09022015). Collection method: clinical testing. Allele origin: germline.
Comment: In summary, the available evidence is currently insufficient to determine the role of this variant in disease. Therefore, it has been classified as a Variant of Uncertain Significance. Algorithms developed to predict the effect of missense changes on protein structure and function output the following: SIFT: "Tolerated"; PolyPhen-2: "Benign"; Align-GVGD: "Class C0". The lysine amino acid residue is found in multiple mammalian species, which suggests that this missense change does not adversely affect protein function. This variant has not been reported in the literature in individuals affected with BLM-related conditions. This variant is not present in population databases (gnomAD no frequency). This sequence change replaces threonine, which is neutral and polar, with lysine, which is basic and polar, at codon 81 of the BLM protein (p.Thr81Lys).